The following is an entry in ClinVar:

NM_001376.5(DYNC1H1):c.6034A>G (p.Met2012Val)

Gene: DYNC1H1 (dynein cytoplasmic 1 heavy chain 1; plus strand). Cytogenetic location: 14q32.31.
Variant type: single nucleotide variant.
Coding change: c.6034A>G on transcript NM_001376.5 (MANE Select); coding-DNA position 6034, A replaced by G.
Protein change: p.Met2012Val; replaces methionine 2012 with valine.
Molecular consequence: missense variant.
Genome position (GRCh38, 1-based): chr14:102,009,899, A>G. VCF-style: chr14-102009899-A-G. GRCh37 (hg19) VCF-style: chr14-102476236-A-G.
Other names: short protein forms M2012V.
Identifiers: ClinVar variation 2963007 (VCV002963007.22), dbSNP rs2503750811, ClinGen allele CA391052685.

ClinVar aggregate classification (germline): Uncertain significance. Review status: criteria provided, multiple submitters, no conflicts (2 of 4 stars). 2 submissions from 2 submitters: Uncertain significance (2). Last evaluated 2024-05-01.

Conditions:
Charcot-Marie-Tooth disease axonal type 2O. Also called: CHARCOT-MARIE-TOOTH NEUROPATHY, AXONAL, TYPE 2O; CHARCOT-MARIE-TOOTH DISEASE, AXONAL, AUTOSOMAL DOMINANT, TYPE 2O; Charcot-Marie-Tooth Neuropathy Type 2O; Charcot-Marie-Tooth disease, axonal, type 20. Identifiers: Orphanet 284232, MedGen C3280220, MONDO:0013644, OMIM 614228.

Allele frequency attached by ClinVar (database versions not stated): gnomAD exomes below 0.00001.
gnomAD v4.1: 2 of 1,614,084 alleles (0.00012%); highest among the groups gnomAD compares: Non-Finnish European, 0.00017%; no homozygotes.

Submissions (2):

CeGaT Center for Human Genetics Tuebingen
Classification: Uncertain significance. Last evaluated: 2024-05-01. Review status: criteria provided, single submitter. Criteria: CeGaT Center For Human Genetics Tuebingen Variant Classification Criteria Version 2. Collection method: clinical testing. Allele origin: germline. Affected: yes. Observed: 1 variant allele.
Comment: DYNC1H1: PM2, PP2

Labcorp Genetics (formerly Invitae), Labcorp
Classification: Uncertain significance for Charcot-Marie-Tooth disease axonal type 2O. Last evaluated: 2023-10-25. Review status: criteria provided, single submitter. Criteria: Invitae Variant Classification Sherloc (09022015). Collection method: clinical testing. Allele origin: germline.
Comment: This sequence change replaces methionine, which is neutral and non-polar, with valine, which is neutral and non-polar, at codon 2012 of the DYNC1H1 protein (p.Met2012Val). This variant is not present in population databases (gnomAD no frequency). This variant has not been reported in the literature in individuals affected with DYNC1H1-related conditions. Advanced modeling of protein sequence and biophysical properties (such as structural, functional, and spatial information, amino acid conservation, physicochemical variation, residue mobility, and thermodynamic stability) performed at Invitae indicates that this missense variant is not expected to disrupt DYNC1H1 protein function with a negative predictive value of 95%. In summary, the available evidence is currently insufficient to determine the role of this variant in disease. Therefore, it has been classified as a Variant of Uncertain Significance.